The following is an entry in ClinVar:

ClinVar aggregate classification (germline): Likely benign. Review status: criteria provided, single submitter (1 of 4 stars). 2 submissions from 2 submitters: Likely benign (1). 1 of the submissions does not count toward it. Last evaluated 2023-12-30.

Conditions:
SERPING1-related disorder. Also called: SERPING1-related condition.

Allele frequency attached by ClinVar (database versions not stated): gnomAD 0.00005; ExAC 0.00002; gnomAD exomes 0.00005; TOPMed 0.00005.
gnomAD v4.1: 78 of 1,614,054 alleles (0.0048%); highest among the groups gnomAD compares: Non-Finnish European, 0.0062%; no homozygotes.

Submissions (2):

Labcorp Genetics (formerly Invitae), Labcorp
Classification: Likely benign. Last evaluated: 2023-12-30. Review status: criteria provided, single submitter. Criteria: Invitae Variant Classification Sherloc (09022015). Collection method: clinical testing. Allele origin: germline.

PreventionGenetics, part of Exact Sciences
Classification: Uncertain significance for SERPING1-related condition. Last evaluated: 2024-06-28. Review status: no assertion criteria provided. Collection method: clinical testing. Allele origin: germline. Not counted in ClinVar's aggregate classification.
Comment: The SERPING1 c.124G>A variant is predicted to result in the amino acid substitution p.Glu42Lys. To our knowledge, this variant has not been reported in the literature. This variant is reported in 0.0033% of alleles in individuals of South Asian descent in gnomAD. At this time, the clinical significance of this variant is uncertain due to the absence of conclusive functional and genetic evidence.

NM_000062.3(SERPING1):c.124G>A (p.Glu42Lys)

Gene: SERPING1 (serpin family G member 1; plus strand). Cytogenetic location: 11q12.1.
Variant type: single nucleotide variant.
Coding change: c.124G>A on transcript NM_000062.3 (MANE Select); coding-DNA position 124, G replaced by A.
Protein change: p.Glu42Lys; replaces glutamic acid 42 with lysine.
Molecular consequence: missense variant.
Genome position (GRCh38, 1-based): chr11:57,599,951, G>A. VCF-style: chr11-57599951-G-A. GRCh37 (hg19) VCF-style: chr11-57367424-G-A.
Other names: c.124G>A, p.Glu42Lys (NM_001032295.2); short protein forms E42K.
Identifiers: ClinVar variation 2055125 (VCV002055125.5), dbSNP rs778625408, ClinGen allele CA6007977.